The following is an entry in ClinVar:

ClinVar aggregate classification (germline): Likely benign. Review status: criteria provided, multiple submitters, no conflicts (2 of 4 stars). 2 submissions from 2 submitters: Likely benign (2). Last evaluated 2025-03-10.

Conditions:
CHARGE syndrome (CHARGE). Also called: Hittner Hirsch Kreh syndrome; Coloboma, heart anomaly, choanal atresia, retardation, genital and ear anomalies; CHARGE association; Hall-Hittner syndrome; CHARGE ASSOCIATION--COLOBOMA, HEART ANOMALY, CHOANAL ATRESIA, RETARDATION, GENITAL AND EAR ANOMALIES. Identifiers: Orphanet 138, MedGen C0265354, MONDO:0008965.

Allele frequency attached by ClinVar (database versions not stated): gnomAD exomes 0.00001; TOPMed 0.00001.
gnomAD v4.1: 8 of 1,572,436 alleles (0.00051%); highest among the groups gnomAD compares: Non-Finnish European, 0.0006%; no homozygotes.

Submissions (2):

Labcorp Genetics (formerly Invitae), Labcorp
Classification: Likely benign for CHARGE syndrome. Last evaluated: 2025-03-10. Review status: criteria provided, single submitter. Criteria: Invitae Variant Classification Sherloc (09022015). Collection method: clinical testing. Allele origin: germline.

GeneDx
Classification: Likely benign. Last evaluated: 2017-07-05. Review status: criteria provided, single submitter. Criteria: GeneDx Variant Classification (06012015). Collection method: clinical testing. Allele origin: germline. Affected: yes.
Comment: This variant is considered likely benign or benign based on one or more of the following criteria: it is a conservative change, it occurs at a poorly conserved position in the protein, it is predicted to be benign by multiple in silico algorithms, and/or has population frequency not consistent with disease.

NM_017780.4(CHD7):c.4203T>C (p.His1401=)

Gene: CHD7 (chromodomain helicase DNA binding protein 7; plus strand). Cytogenetic location: 8q12.2.
Variant type: single nucleotide variant.
Coding change: c.4203T>C on transcript NM_017780.4 (MANE Select); coding-DNA position 4203, T replaced by C.
Protein change: p.His1401=; no amino-acid change (histidine 1401 retained).
Molecular consequence: synonymous variant. On other transcripts: intron variant (1).
Genome position (GRCh38, 1-based): chr8:60,837,685, T>C. VCF-style: chr8-60837685-T-C. GRCh37 (hg19) VCF-style: chr8-61750244-T-C.
Other names: c.4203T>C (LRG_176t1); c.1717-24544T>C (NM_001316690.1).
Identifiers: ClinVar variation 509353 (VCV000509353.3), dbSNP rs969238742, ClinGen allele CA177348559.